The following is an entry in ClinVar:

ClinVar aggregate classification (germline): Uncertain significance (0 of 4 stars; one submission).

Conditions:
PHIP-related disorder. Also called: PHIP-related condition; PHIP-related disorders.

Submission:

PreventionGenetics, part of Exact Sciences
Classification: Uncertain significance for PHIP-related condition. Last evaluated: 2024-05-08. Review status: no assertion criteria provided. Collection method: clinical testing. Allele origin: germline.
Comment: The PHIP c.4270G>C variant is predicted to result in the amino acid substitution p.Asp1424His. To our knowledge, this variant has not been reported in the literature or in a large population database, indicating this variant is rare. At this time, the clinical significance of this variant is uncertain due to the absence of conclusive functional and genetic evidence.

NM_017934.7(PHIP):c.4270G>C (p.Asp1424His)

Genes: IRAK1BP1 (interleukin 1 receptor associated kinase 1 binding protein 1; plus strand), PHIP (PHIP subunit of CUL4-Ring ligase complex; minus strand). Cytogenetic location: 6q14.1.
Variant type: single nucleotide variant.
Coding change: c.4270G>C on transcript NM_017934.7 (MANE Select); coding-DNA position 4270, G replaced by C.
Protein change: p.Asp1424His; replaces aspartic acid 1424 with histidine.
Molecular consequence: missense variant.
Genome position (GRCh38, 1-based): chr6:78,946,811, C>G on the plus strand (G>C on the coding strand, the complement: PHIP is on the minus strand). VCF-style: chr6-78946811-C-G. GRCh37 (hg19) VCF-style: chr6-79656528-C-G.
Other names: short protein forms D1424H.
Identifiers: ClinVar variation 3345348 (VCV003345348.1).
Genomic context (GRCh38, chr6:78,946,811, plus strand): 5'-TTTTCTTCCTCCTTTTGGTTATGGTATTTCTTTTATGAAAACGAAGAGCAGATTTATAAT[C>G]TGATAAAACTGAACTAATGTGTTCTTCAAAGAAAGCAGACAGGCGCAAACTCATGCTGTA-3'
Protein context (NP_060404.4, residues 1414-1434): FEEHISSVLS[Asp1424His]YKSALRFHKR